The following is an entry in ClinVar:

NM_030930.4(UNC93B1):c.667A>G (p.Ile223Val)

Gene: UNC93B1 (unc-93B1 regulator of TLR signaling; minus strand). Cytogenetic location: 11q13.2.
Variant type: single nucleotide variant.
Coding change: c.667A>G on transcript NM_030930.4 (MANE Select); coding-DNA position 667, A replaced by G.
Protein change: p.Ile223Val; replaces isoleucine 223 with valine.
Molecular consequence: missense variant.
Genome position (GRCh38, 1-based): chr11:67,999,193, T>C on the plus strand (A>G on the coding strand, the complement: UNC93B1 is on the minus strand). VCF-style: chr11-67999193-T-C. GRCh37 (hg19) VCF-style: chr11-67766663-T-C.
Other names: c.667A>G (NM_030930.2); short protein forms I223V.
Identifiers: ClinVar variation 644581 (VCV000644581.12), dbSNP rs377418903, ClinGen allele CA6145562.

ClinVar aggregate classification (germline): Uncertain significance. Review status: criteria provided, multiple submitters, no conflicts (2 of 4 stars). 2 submissions from 2 submitters: Uncertain significance (2). Last evaluated 2025-11-23.

Conditions:
Encephalopathy, acute, infection-induced (herpes-specific), susceptibility to, 1. Also called: Herpes simplex encephalitis, susceptibility to, 1. Identifiers: Orphanet 1930, MedGen C2750180, MONDO:0024563, OMIM 610551.

Allele frequency attached by ClinVar (database versions not stated): gnomAD 0.00003; ESP Exome Variant Server 0.00008; gnomAD exomes 0.00002 and 0.00005; TOPMed 0.00003; ExAC 0.00004; 1000 Genomes Project 30x 0.00016; 1000 Genomes Project 0.00020.
gnomAD v4.1: 79 of 1,613,950 alleles (0.0049%); highest among the groups gnomAD compares: Non-Finnish European, 0.0064%; no homozygotes.

Submissions (2):

Ambry Genetics
Classification: Uncertain significance. Last evaluated: 2025-11-23. Review status: criteria provided, single submitter. Criteria: Ambry Variant Classification Scheme 2023. Collection method: clinical testing. Allele origin: germline.

Labcorp Genetics (formerly Invitae), Labcorp
Classification: Uncertain significance for Encephalopathy, acute, infection-induced (herpes-specific), susceptibility to, 1. Last evaluated: 2022-08-09. Review status: criteria provided, single submitter. Criteria: Invitae Variant Classification Sherloc (09022015). Collection method: clinical testing. Allele origin: germline.
Comment: In summary, the available evidence is currently insufficient to determine the role of this variant in disease. Therefore, it has been classified as a Variant of Uncertain Significance. Algorithms developed to predict the effect of missense changes on protein structure and function output the following: SIFT: "Not Available"; PolyPhen-2: "Not Available"; Align-GVGD: "Not Available". The valine amino acid residue is found in multiple mammalian species, which suggests that this missense change does not adversely affect protein function. ClinVar contains an entry for this variant (Variation ID: 644581). This variant has not been reported in the literature in individuals affected with UNC93B1-related conditions. This variant is present in population databases (rs377418903, gnomAD 0.006%). This sequence change replaces isoleucine, which is neutral and non-polar, with valine, which is neutral and non-polar, at codon 223 of the UNC93B1 protein (p.Ile223Val).